The following is an entry in ClinVar:

ClinVar aggregate classification (germline): Uncertain significance (1 of 4 stars; one submission).

Submission:

GeneDx
Classification: Uncertain significance. Last evaluated: 2023-11-20. Review status: criteria provided, single submitter. Criteria: GeneDx Variant Classification Process June 2021. Collection method: clinical testing. Allele origin: germline. Affected: yes.
Comment: Not observed at significant frequency in large population cohorts (gnomAD); In silico analysis supports that this missense variant does not alter protein structure/function; Has not been previously published as pathogenic or benign to our knowledge

NM_005618.4(DLL1):c.1855G>T (p.Ala619Ser)

Gene: DLL1 (delta like canonical Notch ligand 1; minus strand). Cytogenetic location: 6q27.
Variant type: single nucleotide variant.
Coding change: c.1855G>T on transcript NM_005618.4 (MANE Select); coding-DNA position 1855, G replaced by T.
Protein change: p.Ala619Ser; replaces alanine 619 with serine.
Molecular consequence: missense variant.
Genome position (GRCh38, 1-based): chr6:170,283,424, C>A on the plus strand (G>T on the coding strand, the complement: DLL1 is on the minus strand). VCF-style: chr6-170283424-C-A. GRCh37 (hg19) VCF-style: chr6-170592512-C-A.
Other names: short protein forms A619S.
Identifiers: ClinVar variation 3364726 (VCV003364726.1).